The following is an entry in ClinVar:

NM_004369.4(COL6A3):c.1613C>T (p.Thr538Met)

Gene: COL6A3 (collagen type VI alpha 3 chain; minus strand). Cytogenetic location: 2q37.3.
Variant type: single nucleotide variant.
Coding change: c.1613C>T on transcript NM_004369.4 (MANE Select); coding-DNA position 1613, C replaced by T.
Protein change: p.Thr538Met; replaces threonine 538 with methionine.
Molecular consequence: missense variant.
Genome position (GRCh38, 1-based): chr2:237,381,199, G>A on the plus strand (C>T on the coding strand, the complement: COL6A3 is on the minus strand). VCF-style: chr2-237381199-G-A. GRCh37 (hg19) VCF-style: chr2-238289842-G-A.
Other names: c.392C>T, p.Thr131Met (NM_057164.5, NM_057166.5); c.995C>T, p.Thr332Met (NM_057165.5, NM_057167.4); short protein forms T538M, T131M, T332M.
Identifiers: ClinVar variation 128816 (VCV000128816.24), dbSNP rs34741387, ClinGen allele CA231050.

ClinVar aggregate classification (germline): Conflicting classifications of pathogenicity. Review status: criteria provided, conflicting classifications (1 of 4 stars). 7 submissions from 7 submitters: Uncertain significance (1); Benign (4). 2 of the submissions do not count toward it. Last evaluated 2026-02-02.

Conditions:
COL6A3-related disorder. Also called: COL6A3-related disorders; COL6A3-related condition.
Bethlem myopathy 1A. Also called: MYOPATHY, BENIGN CONGENITAL, WITH CONTRACTURES; Bethlem myopathy 1; Bethlem Muscular Dystrophy. Identifiers: Orphanet 610, MedGen CN029274, MONDO:0024530, OMIM 158810.
Tip-toe gait. Also called: Toe walking. Identifiers: MedGen C0427144, HP:0030051.

Allele frequency attached by ClinVar (database versions not stated): ExAC 0.00248; gnomAD 0.00772 and 0.00817; TOPMed 0.00872; ESP Exome Variant Server 0.00892; gnomAD exomes 0.00201; 1000 Genomes Project 0.00879; 1000 Genomes Project 30x 0.00890.
gnomAD v4.1: 2,330 of 1,614,246 alleles (0.14%); highest among the groups gnomAD compares: African/African-American, 2.8%; 31 homozygotes.

Submissions (7):

Labcorp Genetics (formerly Invitae), Labcorp
Classification: Benign for Bethlem myopathy 1A. Last evaluated: 2026-02-02. Review status: criteria provided, single submitter. Criteria: Invitae Variant Classification Sherloc (09022015). Collection method: clinical testing. Allele origin: germline.

Athena Diagnostics
Classification: Benign. Last evaluated: 2024-06-10. Review status: criteria provided, single submitter. Criteria: Athena Diagnostics Criteria. Collection method: clinical testing. Allele origin: unknown.

Mayo Clinic Laboratories, Mayo Clinic
Classification: Benign. Last evaluated: 2022-12-29. Review status: criteria provided, single submitter. Criteria: ACMG Guidelines, 2015. Collection method: clinical testing. Allele origin: germline. Observed: 3 variant alleles.
Comment: BS1, BS2

GeneDx
Classification: Benign. Last evaluated: 2018-01-18. Review status: criteria provided, single submitter. Criteria: GeneDx Variant Classification (06012015). Collection method: clinical testing. Allele origin: germline. Affected: yes.
Comment: This variant is considered likely benign or benign based on one or more of the following criteria: it is a conservative change, it occurs at a poorly conserved position in the protein, it is predicted to be benign by multiple in silico algorithms, and/or has population frequency not consistent with disease.

Genetic Services Laboratory, University of Chicago
Classification: Uncertain significance. Last evaluated: 2014-01-21. Review status: criteria provided, single submitter. Criteria: ACMG Guidelines, 2007. Collection method: clinical testing. Allele origin: germline.

PreventionGenetics, part of Exact Sciences
Classification: Benign for COL6A3-related condition. Last evaluated: 2020-05-20. Review status: no assertion criteria provided. Collection method: clinical testing. Allele origin: germline. Not counted in ClinVar's aggregate classification.
Comment: This variant is classified as benign based on ACMG/AMP sequence variant interpretation guidelines (Richards et al. 2015 PMID: 25741868, with internal and published modifications).

Practice for Gait Abnormalities, David Pomarino, Competency Network Toe Walking C/o Practice Pomarino
Classification: Likely pathogenic for Tip-toe gait. Review status: no assertion criteria provided. Collection method: clinical testing. Allele origin: germline. Affected: yes. Not counted in ClinVar's aggregate classification.
Comment: Myopathy refers to diseases that affect skeletal Muscles. These diseases attack muscle fibers, making muscles weak. Inherited myopathies are often caused by inheriting an abnormal gene mutation from a parent that causes the disease. Symptoms of congenital myopathies usually start at birth or in early childhood, but may not appear until the teen years or even later in adulthood. Congenital myopathies are somewhat unique compared with other inherited myopathies, as weakness typically affects all muscles and is often not progressive. Symptoms are: Muscle weakness, most commonly of upper arms and shoulders and thighs, muscle cramps, stiffness and spasms, fatigue with exertion and lack of energy. Our patients all walk on tiptoe, so they show similar symptoms. When we genetically test them with our toe walking panel, we find that around 90 per cent of them have a genetic variant that explains their toe walking. These can be assigned, for example, to the area of myopathies (such as variants of the COL6A3 gene), the area of hereditary neuropathies (such as variants of the KMT2C gene) or the area of metabolic diseases (such as variants of the PYGM gene). In a smaller group of patients with almost identical symptoms, no abnormality is found in the genes of our panel, but spastic paraplegia can be detected. In another small group of our toe walkers, no abnormalities can be detected in the genes analysed in our toe walking panel, nor do they suffer from spastic paraplegia, as is also the case with healthy children. In contrast to these, however, they show a tiptoe gait. These patients suffer from infantile cerebral palsy, in which toe walking can also be observed.

Literature cited by the submitters: PubMed 37091313 (cited by Practice for Gait Abnormalities, David Pomarino, Competency Network Toe Walking C/o Practice Pomarino).